The following is an entry in ClinVar:

ClinVar aggregate classification (germline): Uncertain significance (1 of 4 stars; one submission).

gnomAD v4.1: 2 of 1,530,420 alleles (0.00013%); highest among the groups gnomAD compares: Non-Finnish European, 0.000088%; no homozygotes.

Submission:

Labcorp Genetics (formerly Invitae), Labcorp
Classification: Uncertain significance. Last evaluated: 2022-03-20. Review status: criteria provided, single submitter. Criteria: Invitae Variant Classification Sherloc (09022015). Collection method: clinical testing. Allele origin: germline.
Comment: This sequence change replaces lysine, which is basic and polar, with asparagine, which is neutral and polar, at codon 119 of the KIZ protein (p.Lys119Asn). The frequency data for this variant in the population databases is considered unreliable, as metrics indicate poor data quality at this position in the gnomAD database. This variant has not been reported in the literature in individuals affected with KIZ-related conditions. ClinVar contains an entry for this variant (Variation ID: 957902). In summary, the available evidence is currently insufficient to determine the role of this variant in disease. Therefore, it has been classified as a Variant of Uncertain Significance.

NM_018474.6(KIZ):c.357A>C (p.Lys119Asn)

Gene: KIZ (kizuna centrosomal protein; plus strand). Cytogenetic location: 20p11.23.
Variant type: single nucleotide variant.
Coding change: c.357A>C on transcript NM_018474.6 (MANE Select); coding-DNA position 357, A replaced by C.
Protein change: p.Lys119Asn; replaces lysine 119 with asparagine.
Molecular consequence: missense variant. On other transcripts: intron variant (1).
Genome position (GRCh38, 1-based): chr20:21,145,606, A>C. VCF-style: chr20-21145606-A-C. GRCh37 (hg19) VCF-style: chr20-21126247-A-C.
Other names: c.48A>C, p.Lys16Asn (NM_001163022.3, NM_001352435.2); c.210A>C, p.Lys70Asn (NM_001276389.2); c.357A>C, p.Lys119Asn (NM_001352434.2); c.15A>C, p.Lys5Asn (NM_001352436.2); c.6+13447A>C (NM_001163023.3); short protein forms K119N, K16N, K5N, K70N.
Identifiers: ClinVar variation 957902 (VCV000957902.7), dbSNP rs1314059359, ClinGen allele CA408488796.